The following is an entry in ClinVar:

NM_006506.5(RASA2):c.2029A>G (p.Ile677Val)

Gene: RASA2 (RAS p21 protein activator 2; plus strand). Cytogenetic location: 3q23.
Variant type: single nucleotide variant.
Coding change: c.2029A>G on transcript NM_006506.5 (MANE Select); coding-DNA position 2029, A replaced by G.
Protein change: p.Ile677Val; replaces isoleucine 677 with valine.
Molecular consequence: missense variant.
Genome position (GRCh38, 1-based): chr3:141,608,501, A>G. VCF-style: chr3-141608501-A-G. GRCh37 (hg19) VCF-style: chr3-141327343-A-G.
Other names: c.2032A>G, p.Ile678Val (NM_001303245.3); c.2041A>G, p.Ile681Val (NM_001303246.3); short protein forms I678V, I677V, I681V.
Identifiers: ClinVar variation 2082229 (VCV002082229.4), dbSNP rs2478872535, ClinGen allele CA354774107.

ClinVar aggregate classification (germline): Uncertain significance (1 of 4 stars; one submission).

Allele frequency attached by ClinVar (database versions not stated): gnomAD exomes below 0.00001.
gnomAD v4.1: 1 of 1,613,748 alleles (0.000062%); highest among the groups gnomAD compares: East Asian, 0.0022%; no homozygotes.

Submission:

Labcorp Genetics (formerly Invitae), Labcorp
Classification: Uncertain significance. Last evaluated: 2022-06-13. Review status: criteria provided, single submitter. Criteria: Invitae Variant Classification Sherloc (09022015). Collection method: clinical testing. Allele origin: germline.
Comment: This variant has not been reported in the literature in individuals affected with RASA2-related conditions. In summary, the available evidence is currently insufficient to determine the role of this variant in disease. Therefore, it has been classified as a Variant of Uncertain Significance. Algorithms developed to predict the effect of missense changes on protein structure and function (SIFT, PolyPhen-2, Align-GVGD) all suggest that this variant is likely to be tolerated. This variant is not present in population databases (gnomAD no frequency). This sequence change replaces isoleucine, which is neutral and non-polar, with valine, which is neutral and non-polar, at codon 677 of the RASA2 protein (p.Ile677Val).